The following is an entry in ClinVar:

ClinVar aggregate classification (germline): Uncertain significance (0 of 4 stars; one submission).

Conditions:
KRT5-related disorder. Also called: KRT5-related condition.

Allele frequency attached by ClinVar (database versions not stated): gnomAD 0.00001; ExAC 0.00002; TOPMed 0.00002.

Submission:

PreventionGenetics, part of Exact Sciences
Classification: Uncertain significance for KRT5-related condition. Last evaluated: 2023-12-26. Review status: no assertion criteria provided. Collection method: clinical testing. Allele origin: germline.
Comment: The KRT5 c.1754G>A variant is predicted to result in the amino acid substitution p.Arg585Gln. To our knowledge, this variant has not been reported in the literature. This variant is reported in 0.0029% of alleles in individuals of Latino descent in gnomAD. At this time, the clinical significance of this variant is uncertain due to the absence of conclusive functional and genetic evidence.

NM_000424.4(KRT5):c.1754G>A (p.Arg585Gln)

Gene: KRT5 (keratin 5; minus strand). Cytogenetic location: 12q13.13.
Variant type: single nucleotide variant.
Coding change: c.1754G>A on transcript NM_000424.4 (MANE Select); coding-DNA position 1754, G replaced by A.
Protein change: p.Arg585Gln; replaces arginine 585 with glutamine.
Molecular consequence: missense variant.
Genome position (GRCh38, 1-based): chr12:52,514,961, C>T on the plus strand (G>A on the coding strand, the complement: KRT5 is on the minus strand). VCF-style: chr12-52514961-C-T. GRCh37 (hg19) VCF-style: chr12-52908745-C-T.
Other names: short protein forms R585Q.
Identifiers: ClinVar variation 3031060 (VCV003031060.2), dbSNP rs776384768, ClinGen allele CA6582393.